The following is an entry in ClinVar:

NM_144672.4(OTOA):c.2672G>A (p.Arg891His)

Gene: OTOA (otoancorin). Cytogenetic location: 16p12.2.
Variant type: single nucleotide variant.
Coding change: c.2672G>A on transcript NM_144672.4 (MANE Select); coding-DNA position 2672, G replaced by A.
Protein change: p.Arg891His; replaces arginine 891 with histidine.
Molecular consequence: missense variant.
Genome position (GRCh38, 1-based): chr16:21,744,933, G>A. VCF-style: chr16-21744933-G-A. GRCh37 (hg19) VCF-style: chr16-21756254-G-A.
Other names: c.2435G>A, p.Arg812His (NM_001161683.2); c.1700G>A, p.Arg567His (NM_170664.3); short protein forms R567H, R812H, R891H.
Identifiers: ClinVar variation 3029830 (VCV003029830.3), dbSNP rs1175457711, ClinGen allele CA395064967.

ClinVar aggregate classification (germline): Uncertain significance (1 of 4 stars; one submission).

Conditions:
OTOA-related disorder. Also called: OTOA-related condition.

Submission:

PreventionGenetics, part of Exact Sciences
Classification: Uncertain significance for OTOA-related condition. Last evaluated: 2026-04-24. Review status: criteria provided, single submitter. Criteria: ACMG Guidelines, 2015. Collection method: clinical testing. Allele origin: germline.
Comment: The OTOA c.2672G>A variant is predicted to result in the amino acid substitution p.Arg891His. To our knowledge, this variant has not been reported in the literature or in a large population database (gnomAD), indicating this variant is rare. At this time, the clinical significance of this variant is uncertain due to the absence of conclusive functional and genetic evidence.